The following is an entry in ClinVar:

NM_001082486.2(ACD):c.99+5G>A

Gene: ACD (ACD shelterin complex subunit and telomerase recruitment factor; minus strand). Cytogenetic location: 16q22.1.
Variant type: single nucleotide variant.
Coding change: c.99+5G>A on transcript NM_001082486.2 (MANE Select); 5 bases into the intron after coding-DNA position 99, G replaced by A.
Molecular consequence: intron variant.
Genome position (GRCh38, 1-based): chr16:67,660,117, C>T on the plus strand (G>A on the coding strand, the complement: ACD is on the minus strand). VCF-style: chr16-67660117-C-T. GRCh37 (hg19) VCF-style: chr16-67694020-C-T.
Other names: c.99+5G>A (NM_022914.3, NM_001410884.1).
Identifiers: ClinVar variation 3256309 (VCV003256309.4).
Genomic context (GRCh38, chr16:67,660,117, plus strand): 5'-GAGCGGCGTCAATCCCACCACCCCGGGCCTCCGCCTCGGTCTCCGGGCCCTGAATGGGGG[C>T]TCACCTCAAGCAGCTGCCCGGCTCGTGGACTGGAGGGTGTCTCTGACCCCAGAATCAGCT-3'

ClinVar aggregate classification (germline): Uncertain significance. Review status: criteria provided, multiple submitters, no conflicts (2 of 4 stars). 2 submissions from 2 submitters: Uncertain significance (2). Last evaluated 2025-03-04.

Conditions:
Dyskeratosis congenita, autosomal dominant 6 (DKCA6). Identifiers: Orphanet 3322, MedGen C4225284, MONDO:0014690, OMIM 616553.

gnomAD v4.1: 2 of 1,612,494 alleles (0.00012%); highest among the groups gnomAD compares: Non-Finnish European, 0.00017%; no homozygotes.

Submissions (2):

Center for Genomic Medicine, Rigshospitalet, Copenhagen University Hospital
Classification: Uncertain significance. Last evaluated: 2025-03-04. Review status: criteria provided, single submitter. Criteria: ACMG Guidelines, 2015. Collection method: clinical testing. Allele origin: germline.

Labcorp Genetics (formerly Invitae), Labcorp
Classification: Uncertain significance for Dyskeratosis congenita, autosomal dominant 6. Last evaluated: 2024-07-12. Review status: criteria provided, single submitter. Criteria: Invitae Variant Classification Sherloc (09022015). Collection method: clinical testing. Allele origin: germline.
Comment: This sequence change falls in intron 1 of the ACD gene. It does not directly change the encoded amino acid sequence of the ACD protein. It affects a nucleotide within the consensus splice site. This variant is not present in population databases (gnomAD no frequency). This variant has not been reported in the literature in individuals affected with ACD-related conditions. Variants that disrupt the consensus splice site are a relatively common cause of aberrant splicing (PMID: 17576681, 9536098). Algorithms developed to predict the effect of sequence changes on RNA splicing suggest that this variant may disrupt the consensus splice site. In summary, the available evidence is currently insufficient to determine the role of this variant in disease. Therefore, it has been classified as a Variant of Uncertain Significance.

Literature cited by the submitters: PubMed 17576681 (cited by Labcorp Genetics (formerly Invitae), Labcorp); PubMed 9536098 (cited by Labcorp Genetics (formerly Invitae), Labcorp).